The following is an entry in ClinVar:

NM_198578.4(LRRK2):c.4840A>G (p.Lys1614Glu)

Gene: LRRK2 (leucine rich repeat kinase 2; plus strand). Cytogenetic location: 12q12.
Variant type: single nucleotide variant.
Coding change: c.4840A>G on transcript NM_198578.4 (MANE Select); coding-DNA position 4840, A replaced by G.
Protein change: p.Lys1614Glu; replaces lysine 1614 with glutamic acid.
Molecular consequence: missense variant.
Genome position (GRCh38, 1-based): chr12:40,320,000, A>G. VCF-style: chr12-40320000-A-G. GRCh37 (hg19) VCF-style: chr12-40713802-A-G.
Other names: short protein forms K1614E.
Identifiers: ClinVar variation 1743504 (VCV001743504.2), dbSNP rs1945348147, ClinGen allele CA384419414.
Genomic context (GRCh38, chr12:40,320,000, plus strand): 5'-ATTTCAGAAAATAAATTTTAGTGATTATTTATGACTCGAATCTTTCAGATTTTGACAGTG[A>G]AAGTGGAAGGTTGTCCAAAACACCCTAAGGGCATTATTTCGCGTAGAGATGTGGAAAAAT-3'
Protein context (NP_940980.4, residues 1604-1624): CKIMAQILTV[Lys1614Glu]VEGCPKHPKG

ClinVar aggregate classification (germline): Uncertain significance (1 of 4 stars; one submission).

Conditions:
Inborn genetic diseases. Identifiers: MedGen C0950123, MeSH D030342.

Allele frequency attached by ClinVar (database versions not stated): gnomAD 0.00001.
gnomAD v4.1: 1 of 1,608,748 alleles (0.000062%); highest among the groups gnomAD compares: Admixed American, 0.0017%; no homozygotes.

Submission:

Ambry Genetics
Classification: Uncertain significance for Inborn genetic diseases. Last evaluated: 2021-06-18. Review status: criteria provided, single submitter. Criteria: Ambry Variant Classification Scheme 2023. Collection method: clinical testing. Allele origin: germline.
Comment: The p.K1614E variant (also known as c.4840A>G), located in coding exon 34 of the LRRK2 gene, results from an A to G substitution at nucleotide position 4840. The lysine at codon 1614 is replaced by glutamic acid, an amino acid with similar properties. This amino acid position is conserved. In addition, this alteration is predicted to be deleterious by in silico analysis. Since supporting evidence is limited at this time, the clinical significance of this alteration remains unclear.